The following is an entry in ClinVar:

NM_018292.5(QRSL1):c.1160+8A>G

Gene: QRSL1 (glutaminyl-tRNA amidotransferase subunit QRSL1; plus strand). Cytogenetic location: 6q21.
Variant type: single nucleotide variant.
Coding change: c.1160+8A>G on transcript NM_018292.5 (MANE Select); 8 bases into the intron after coding-DNA position 1160, A replaced by G.
Molecular consequence: intron variant.
Genome position (GRCh38, 1-based): chr6:106,655,740, A>G. VCF-style: chr6-106655740-A-G. GRCh37 (hg19) VCF-style: chr6-107103615-A-G.
Identifiers: ClinVar variation 2656812 (VCV002656812.24), dbSNP rs375529968, ClinGen allele CA3944953.

ClinVar aggregate classification (germline): Uncertain significance (1 of 4 stars; one submission).

Allele frequency attached by ClinVar (database versions not stated): gnomAD exomes below 0.00001; ExAC 0.00001; gnomAD 0.00001; TOPMed 0.00002; ESP Exome Variant Server 0.00008.
gnomAD v4.1: 8 of 1,529,634 alleles (0.00052%); highest among the groups gnomAD compares: Non-Finnish European, 0.00063%; no homozygotes.

Submission:

CeGaT Center for Human Genetics Tuebingen
Classification: Uncertain significance. Last evaluated: 2023-08-01. Review status: criteria provided, single submitter. Criteria: CeGaT Center For Human Genetics Tuebingen Variant Classification Criteria Version 2. Collection method: clinical testing. Allele origin: germline. Affected: yes. Observed: 1 variant allele.
Comment: QRSL1: PM2, BP4